The following is an entry in ClinVar:

ClinVar aggregate classification (germline): Conflicting classifications of pathogenicity. Review status: criteria provided, conflicting classifications (1 of 4 stars). 8 submissions from 8 submitters: Uncertain significance (3); Likely benign (1). 4 of the submissions do not count toward it. Last evaluated 2026-01-12.

Conditions:
FLNC-related disorder. Also called: FLNC-related disorders; FLNC-related condition.
Myofibrillar myopathy 5. Also called: FILAMINOPATHY, AUTOSOMAL DOMINANT; Filaminopathy (type). Identifiers: Orphanet 171445, MedGen C1836050, MONDO:0012289, OMIM 609524.
Hypertrophic cardiomyopathy 26. Also called: Cardiomyopathy, familial hypertrophic, 26. Identifiers: Orphanet 75249, MedGen C4310749, MONDO:0014883, OMIM 617047.
Distal myopathy with posterior leg and anterior hand involvement. Also called: WILLIAMS DISTAL MYOPATHY. Identifiers: Orphanet 63273, MedGen C3279722, MONDO:0013550, OMIM 614065.
Cardiovascular phenotype. Identifiers: MedGen CN230736.

Allele frequency attached by ClinVar (database versions not stated): gnomAD 0.00005 and 0.00006; TOPMed 0.00005; ESP Exome Variant Server 0.00008.

Submissions (8):

Labcorp Genetics (formerly Invitae), Labcorp
Classification: Likely benign for Distal myopathy with posterior leg and anterior hand involvement; Myofibrillar myopathy 5; Hypertrophic cardiomyopathy 26. Last evaluated: 2026-01-12. Review status: criteria provided, single submitter. Criteria: Invitae Variant Classification Sherloc (09022015). Collection method: clinical testing. Allele origin: germline.

PreventionGenetics, part of Exact Sciences
Classification: Uncertain significance for FLNC-related condition. Last evaluated: 2025-11-05. Review status: criteria provided, single submitter. Criteria: ACMG Guidelines, 2015. Collection method: clinical testing. Allele origin: germline.
Comment: The FLNC c.4054C>T variant is predicted to result in the amino acid substitution p.Arg1352Cys. To our knowledge, this variant has not been reported in the literature. This variant is reported in 0.0041% of alleles in individuals of African descent in gnomAD. At this time, the clinical significance of this variant is uncertain due to the absence of conclusive functional and genetic evidence.

Ambry Genetics
Classification: Uncertain significance for Cardiovascular phenotype. Last evaluated: 2025-10-28. Review status: criteria provided, single submitter. Criteria: Ambry Variant Classification Scheme 2023. Collection method: clinical testing. Allele origin: germline.
Comment: The p.R1352C variant (also known as c.4054C>T), located in coding exon 23 of the FLNC gene, results from a C to T substitution at nucleotide position 4054. The arginine at codon 1352 is replaced by cysteine, an amino acid with highly dissimilar properties. This amino acid position is highly conserved in available vertebrate species. In addition, this alteration is predicted to be deleterious by in silico analysis. Based on the available evidence, the clinical significance of this variant remains unclear.

Molecular Diagnostic Laboratory for Inherited Cardiovascular Disease, Montreal Heart Institute
Classification: Uncertain significance for Cardiovascular phenotype. Last evaluated: 2025-04-09. Review status: criteria provided, single submitter. Criteria: ACMG Guidelines, 2015. Collection method: clinical testing. Allele origin: germline. Affected: yes.
Comment: PP3

Clinical Genetics DNA and cytogenetics Diagnostics Lab, Erasmus MC, Erasmus Medical Center
Classification: Uncertain significance. Review status: no assertion criteria provided. Collection method: clinical testing. Allele origin: germline. Affected: yes. Study: VKGL Data-share Consensus. Not counted in ClinVar's aggregate classification.

Clinical Genetics, Academic Medical Center
Classification: Uncertain significance. Review status: no assertion criteria provided. Collection method: clinical testing. Allele origin: germline. Affected: yes. Study: VKGL Data-share Consensus. Not counted in ClinVar's aggregate classification.

Genome Diagnostics Laboratory, University Medical Center Utrecht
Classification: Uncertain significance. Review status: no assertion criteria provided. Collection method: clinical testing. Allele origin: germline. Affected: yes. Study: VKGL Data-share Consensus. Not counted in ClinVar's aggregate classification.

Joint Genome Diagnostic Labs from Nijmegen and Maastricht, Radboudumc and MUMC+
Classification: Uncertain significance. Review status: no assertion criteria provided. Collection method: clinical testing. Allele origin: germline. Affected: yes. Study: VKGL Data-share Consensus. Not counted in ClinVar's aggregate classification.

NM_001458.5(FLNC):c.4054C>T (p.Arg1352Cys)

Gene: FLNC (filamin C; plus strand). Cytogenetic location: 7q32.1.
Variant type: single nucleotide variant.
Coding change: c.4054C>T on transcript NM_001458.5 (MANE Select); coding-DNA position 4054, C replaced by T.
Protein change: p.Arg1352Cys; replaces arginine 1352 with cysteine.
Molecular consequence: missense variant.
Genome position (GRCh38, 1-based): chr7:128,846,390, C>T. VCF-style: chr7-128846390-C-T. GRCh37 (hg19) VCF-style: chr7-128486444-C-T.
Other names: c.4054C>T, p.Arg1352Cys (NM_001127487.2); short protein forms R1352C.
Identifiers: ClinVar variation 472057 (VCV000472057.23), dbSNP rs367931139, ClinGen allele CA4475229.